The following is an entry in ClinVar:

NM_001283009.2(RTEL1):c.1870C>T (p.Arg624Trp)

Genes: RTEL1-TNFRSF6B (RTEL1-TNFRSF6B readthrough (NMD candidate); plus strand), RTEL1 (regulator of telomere elongation helicase 1; plus strand). Cytogenetic location: 20q13.33.
Variant type: single nucleotide variant.
Coding change: c.1870C>T on transcript NM_001283009.2 (MANE Select); coding-DNA position 1870, C replaced by T.
Protein change: p.Arg624Trp; replaces arginine 624 with tryptophan.
Molecular consequence: missense variant. On other transcripts: non-coding transcript variant (1).
Genome position (GRCh38, 1-based): chr20:63,689,124, C>T. VCF-style: chr20-63689124-C-T. GRCh37 (hg19) VCF-style: chr20-62320477-C-T.
Other names: c.1201C>T, p.Arg401Trp (NM_001283010.1); c.1870C>T, p.Arg624Trp (NM_016434.4); c.1942C>T, p.Arg648Trp (NM_032957.5); short protein forms R648W, R401W, R624W.
Identifiers: ClinVar variation 2928817 (VCV002928817.3), dbSNP rs763726399, ClinGen allele CA9965049.
Genomic context (GRCh38, chr20:63,689,124, plus strand): 5'-GCTTACTATGCAAGGGTTGCCGCCCCTGGGTCCACCGGCGCCACCTTCCTGGCGGTCTGC[C>T]GGGGCAAGGTGAGCTCTCCAGGGCCCTCTGCCCTGACCTGGTTGCCTGTTCCCTGGTGGG-3'
Protein context (NP_001269938.1, residues 614-634): STGATFLAVC[Arg624Trp]GKASEGLDFS

ClinVar aggregate classification (germline): Uncertain significance. Review status: criteria provided, multiple submitters, no conflicts (2 of 4 stars). 3 submissions from 3 submitters: Uncertain significance (3). Last evaluated 2025-09-10.

Conditions:
Pulmonary fibrosis and/or bone marrow failure, Telomere-related, 3. Also called: PULMONARY FIBROSIS AND/OR BONE MARROW FAILURE SYNDROME, TELOMERE-RELATED, 3. Identifiers: Orphanet 2032, MedGen C4225346, MONDO:0014613, OMIM 616373.
Dyskeratosis congenita, autosomal recessive 5 (DKCB5). Identifiers: MedGen C3554656, MONDO:0014076, OMIM 615190.
Inborn genetic diseases. Identifiers: MedGen C0950123, MeSH D030342.

Allele frequency attached by ClinVar (database versions not stated): ExAC 0.00001; gnomAD exomes 0.00002.
gnomAD v4.1: 27 of 1,609,286 alleles (0.0017%); highest among the groups gnomAD compares: Non-Finnish European, 0.002%; no homozygotes.

Submissions (3):

Genomic Medicine Center of Excellence, King Faisal Specialist Hospital and Research Centre
Classification: Uncertain significance for Dyskeratosis congenita, autosomal recessive 5. Last evaluated: 2025-09-10. Review status: criteria provided, single submitter. Criteria: ACMG Guidelines, 2015. Collection method: clinical testing. Allele origin: germline.

Ambry Genetics
Classification: Uncertain significance for Inborn genetic diseases. Last evaluated: 2025-03-26. Review status: criteria provided, single submitter. Criteria: Ambry Variant Classification Scheme 2023. Collection method: clinical testing. Allele origin: germline.
Comment: The p.R624W variant (also known as c.1870C>T), located in coding exon 21 of the RTEL1 gene, results from a C to T substitution at nucleotide position 1870. The arginine at codon 624 is replaced by tryptophan, an amino acid with dissimilar properties. This amino acid position is conserved. In addition, this alteration is predicted to be deleterious by in silico analysis. Based on the available evidence, the clinical significance of this variant remains unclear.

Labcorp Genetics (formerly Invitae), Labcorp
Classification: Uncertain significance for Dyskeratosis congenita, autosomal recessive 5; Pulmonary fibrosis and/or bone marrow failure, Telomere-related, 3. Last evaluated: 2024-01-08. Review status: criteria provided, single submitter. Criteria: Invitae Variant Classification Sherloc (09022015). Collection method: clinical testing. Allele origin: germline.
Comment: This sequence change replaces arginine, which is basic and polar, with tryptophan, which is neutral and slightly polar, at codon 624 of the RTEL1 protein (p.Arg624Trp). The frequency data for this variant in the population databases is considered unreliable, as metrics indicate poor data quality at this position in the gnomAD database. This variant has not been reported in the literature in individuals affected with RTEL1-related conditions. An algorithm developed to predict the effect of missense changes on protein structure and function (PolyPhen-2) suggests that this variant is likely to be disruptive. In summary, the available evidence is currently insufficient to determine the role of this variant in disease. Therefore, it has been classified as a Variant of Uncertain Significance.